The following is an entry in ClinVar:

ClinVar aggregate classification (germline): Uncertain significance (1 of 4 stars; one submission).

Submission:

GeneDx
Classification: Uncertain significance. Last evaluated: 2024-06-06. Review status: criteria provided, single submitter. Criteria: GeneDx Variant Classification Process June 2021. Collection method: clinical testing. Allele origin: germline. Affected: yes.
Comment: Not observed at significant frequency in large population cohorts (gnomAD); In silico analysis indicates that this missense variant does not alter protein structure/function; Has not been previously published as pathogenic or benign to our knowledge

NM_015570.4(AUTS2):c.2627T>A (p.Ile876Asn)

Gene: AUTS2 (activator of transcription and developmental regulator AUTS2; plus strand). Cytogenetic location: 7q11.22.
Variant type: single nucleotide variant.
Coding change: c.2627T>A on transcript NM_015570.4 (MANE Select); coding-DNA position 2627, T replaced by A.
Protein change: p.Ile876Asn; replaces isoleucine 876 with asparagine.
Molecular consequence: missense variant.
Genome position (GRCh38, 1-based): chr7:70,789,843, T>A. VCF-style: chr7-70789843-T-A. GRCh37 (hg19) VCF-style: chr7-70254829-T-A.
Other names: c.2555T>A, p.Ile852Asn (NM_001127231.3); short protein forms I852N, I876N.
Identifiers: ClinVar variation 3384639 (VCV003384639.1).